The following is an entry in ClinVar:

NM_001099271.2(POC5):c.1256C>A (p.Ser419Tyr)

Gene: POC5 (POC5 centriolar protein; minus strand). Cytogenetic location: 5q13.3.
Variant type: single nucleotide variant.
Coding change: c.1256C>A on transcript NM_001099271.2 (MANE Select); coding-DNA position 1256, C replaced by A.
Protein change: p.Ser419Tyr; replaces serine 419 with tyrosine.
Molecular consequence: missense variant.
Genome position (GRCh38, 1-based): chr5:75,685,358, G>T on the plus strand (C>A on the coding strand, the complement: POC5 is on the minus strand). VCF-style: chr5-75685358-G-T. GRCh37 (hg19) VCF-style: chr5-74981183-G-T.
Other names: c.1181C>A, p.Ser394Tyr (NM_152408.3); c.1256C>A (NM_001099271.1); short protein forms S394Y, S419Y.
Identifiers: ClinVar variation 2176551 (VCV002176551.5), dbSNP rs769986386, ClinGen allele CA3310367.

ClinVar aggregate classification (germline): Uncertain significance. Review status: criteria provided, multiple submitters, no conflicts (2 of 4 stars). 2 submissions from 2 submitters: Uncertain significance (2). Last evaluated 2025-02-03.

Allele frequency attached by ClinVar (database versions not stated): ExAC 0.00001; gnomAD 0.00003; TOPMed 0.00003.
gnomAD v4.1: 33 of 1,613,920 alleles (0.002%); highest among the groups gnomAD compares: Non-Finnish European, 0.0026%; no homozygotes.

Submissions (2):

Labcorp Genetics (formerly Invitae), Labcorp
Classification: Uncertain significance. Last evaluated: 2025-02-03. Review status: criteria provided, single submitter. Criteria: Invitae Variant Classification Sherloc (09022015). Collection method: clinical testing. Allele origin: germline.
Comment: This sequence change replaces serine, which is neutral and polar, with tyrosine, which is neutral and polar, at codon 419 of the POC5 protein (p.Ser419Tyr). This variant is present in population databases (rs769986386, gnomAD 0.003%). This variant has not been reported in the literature in individuals affected with POC5-related conditions. ClinVar contains an entry for this variant (Variation ID: 2176551). An algorithm developed to predict the effect of missense changes on protein structure and function (PolyPhen-2) suggests that this variant is likely to be disruptive. In summary, the available evidence is currently insufficient to determine the role of this variant in disease. Therefore, it has been classified as a Variant of Uncertain Significance.

Ambry Genetics
Classification: Uncertain significance. Last evaluated: 2024-10-20. Review status: criteria provided, single submitter. Criteria: Ambry Variant Classification Scheme 2023. Collection method: clinical testing. Allele origin: germline.